The following is an entry in ClinVar:

ClinVar aggregate classification (germline): Pathogenic (1 of 4 stars; one submission).

Conditions:
Cardiovascular phenotype. Identifiers: MedGen CN230736.

Submission:

Ambry Genetics
Classification: Pathogenic for Cardiovascular phenotype. Last evaluated: 2022-10-05. Review status: criteria provided, single submitter. Criteria: Ambry Variant Classification Scheme 2023. Collection method: clinical testing. Allele origin: germline.
Comment: The c.488_491dupAGCG pathogenic mutation, located in coding exon 2 of the FLNC gene, results from a duplication of AGCG at nucleotide position 488, causing a translational frameshift with a predicted alternate stop codon (p.L165Afs*21). This variant is considered to be rare based on population cohorts in the Genome Aggregation Database (gnomAD). This alteration is expected to result in loss of function by premature protein truncation or nonsense-mediated mRNA decay. As such, this alteration is interpreted as a disease-causing mutation.

NM_001458.5(FLNC):c.488_491dup (p.Leu165fs)

Gene: FLNC (filamin C; plus strand). Cytogenetic location: 7q32.1.
Variant type: Duplication.
Coding change: c.488_491dup on transcript NM_001458.5 (MANE Select); coding-DNA positions 488 to 491, 4 bases duplicated (AGCG; older notation c.488_491dupAGCG).
Protein change: p.Leu165fs; shifts the reading frame from leucine 165.
Molecular consequence: frameshift variant.
Genome position (GRCh38, 1-based): chr7:128,835,461-128,835,464, AGCG duplicated. VCF-style (leftmost placement, unchanged base first): chr7-128835460-C-CAGCG. GRCh37 (hg19) VCF-style: chr7-128475514-C-CAGCG.
Other names: c.488_491dup, p.Leu165fs (NM_001127487.2); c.488_491dupAGCG (NM_001458.4); short protein forms L165fs.
Identifiers: ClinVar variation 1743791 (VCV001743791.2), dbSNP rs2536614690, ClinGen allele CA2580076528.